The following is an entry in ClinVar:

NM_001282933.2(ZNF341):c.1561C>T (p.His521Tyr)

Gene: ZNF341 (zinc finger protein 341; plus strand). Cytogenetic location: 20q11.22.
Variant type: single nucleotide variant.
Coding change: c.1561C>T on transcript NM_001282933.2 (MANE Select); coding-DNA position 1561, C replaced by T.
Protein change: p.His521Tyr; replaces histidine 521 with tyrosine.
Molecular consequence: missense variant. On other transcripts: non-coding transcript variant (1).
Genome position (GRCh38, 1-based): chr20:33,770,231, C>T. VCF-style: chr20-33770231-C-T. GRCh37 (hg19) VCF-style: chr20-32358037-C-T.
Other names: c.1291C>T, p.His431Tyr (NM_001282935.2); c.1540C>T, p.His514Tyr (NM_032819.5); c.1540C>T (NM_032819.3); short protein forms H521Y, H514Y, H431Y.
Identifiers: ClinVar variation 1521586 (VCV001521586.7), dbSNP rs200779181, ClinGen allele CA9819477.

ClinVar aggregate classification (germline): Uncertain significance. Review status: criteria provided, multiple submitters, no conflicts (2 of 4 stars). 2 submissions from 2 submitters: Uncertain significance (2). Last evaluated 2025-08-27.

Allele frequency attached by ClinVar (database versions not stated): gnomAD exomes 0.00002 and 0.00005; TOPMed 0.00002; gnomAD 0.00004; ExAC 0.00005; ESP Exome Variant Server 0.00008.
gnomAD v4.1: 39 of 1,613,910 alleles (0.0024%); no homozygotes.

Submissions (2):

Ambry Genetics
Classification: Uncertain significance. Last evaluated: 2025-08-27. Review status: criteria provided, single submitter. Criteria: Ambry Variant Classification Scheme 2023. Collection method: clinical testing. Allele origin: germline.

Labcorp Genetics (formerly Invitae), Labcorp
Classification: Uncertain significance. Last evaluated: 2024-10-28. Review status: criteria provided, single submitter. Criteria: Invitae Variant Classification Sherloc (09022015). Collection method: clinical testing. Allele origin: germline.
Comment: This sequence change replaces histidine, which is basic and polar, with tyrosine, which is neutral and polar, at codon 514 of the ZNF341 protein (p.His514Tyr). This variant is present in population databases (rs200779181, gnomAD 0.08%). This variant has not been reported in the literature in individuals affected with ZNF341-related conditions. ClinVar contains an entry for this variant (Variation ID: 1521586). An algorithm developed to predict the effect of missense changes on protein structure and function (PolyPhen-2) suggests that this variant is likely to be disruptive. In summary, the available evidence is currently insufficient to determine the role of this variant in disease. Therefore, it has been classified as a Variant of Uncertain Significance.